The following is an entry in ClinVar:

NM_000435.3(NOTCH3):c.5570G>A (p.Arg1857Gln)

Gene: NOTCH3 (notch receptor 3; minus strand). Cytogenetic location: 19p13.12.
Variant type: single nucleotide variant.
Coding change: c.5570G>A on transcript NM_000435.3 (MANE Select); coding-DNA position 5570, G replaced by A.
Protein change: p.Arg1857Gln; replaces arginine 1857 with glutamine.
Molecular consequence: missense variant.
Genome position (GRCh38, 1-based): chr19:15,165,884, C>T on the plus strand (G>A on the coding strand, the complement: NOTCH3 is on the minus strand). VCF-style: chr19-15165884-C-T. GRCh37 (hg19) VCF-style: chr19-15276695-C-T.
Other names: short protein forms R1857Q.
Identifiers: ClinVar variation 328380 (VCV000328380.6), dbSNP rs200883235, ClinGen allele CA9262596.
Genomic context (GRCh38, chr19:15,165,884, plus strand): 5'-TGCAGGGGAGTGCGGCCTGAGTGGTCCTGGGCATTGGTGTCTGCCCCAGCATCCAGCAGC[C>T]GCTTGGCTGCATCAGCACGGGCATAACGGGCAGCCAGGTGCAAAGCAGTCTCGCCAGTAC-3'
Protein context (NP_000426.2, residues 1847-1867): ARYARADAAK[Arg1857Gln]LLDAGADTNA

ClinVar aggregate classification (germline): Conflicting classifications of pathogenicity. Review status: criteria provided, conflicting classifications (1 of 4 stars). 2 submissions from 2 submitters: Uncertain significance (1); Likely benign (1). Last evaluated 2023-09-29.

Conditions:
Cerebral arteriopathy, autosomal dominant, with subcortical infarcts and leukoencephalopathy, type 1 (CADASIL1). Also called: CADASIL 1; Cerebral arteriopathy with subcortical infarcts and leukoencephalopathy 1; CASIL; DEMENTIA, HEREDITARY MULTIINFARCT TYPE. Identifiers: Orphanet 136, MedGen C4551768, MONDO:0000914, OMIM 125310.

Allele frequency attached by ClinVar (database versions not stated): ExAC 0.00002; gnomAD exomes 0.00002; gnomAD 0.00002; TOPMed 0.00002; ESP Exome Variant Server 0.00015.
gnomAD v4.1: 21 of 1,613,990 alleles (0.0013%); highest among the groups gnomAD compares: East Asian, 0.0022%; no homozygotes.

Submissions (2):

Athena Diagnostics
Classification: Uncertain significance. Last evaluated: 2023-09-29. Review status: criteria provided, single submitter. Criteria: Athena Diagnostics Criteria. Collection method: clinical testing. Allele origin: unknown.
Comment: Available data are insufficient to determine the clinical significance of the variant at this time. The frequency of this variant in the general population is uninformative in assessment of its pathogenicity. Computational tools predict that this variant is damaging. Greater than 90% of NOTCH3 pathogenic variants associated with CADASIL involve the gain or loss of a cysteine residue within the epidermal growth factor (EGF)-like repeat domain (PMID: 32457593, 20301673).

Illumina Laboratory Services, Illumina
Classification: Likely benign for Cerebral arteriopathy, autosomal dominant, with subcortical infarcts and leukoencephalopathy, type 1. Last evaluated: 2018-01-12. Review status: criteria provided, single submitter. Criteria: ICSL Variant Classification Criteria 13 December 2019. Collection method: clinical testing. Allele origin: germline.
Comment: This variant was observed in the ICSL laboratory as part of a predisposition screen in an ostensibly healthy population. It had not been previously curated by ICSL or reported in the Human Gene Mutation Database (HGMD: prior to June 1st, 2018), and was therefore a candidate for classification through an automated scoring system. Utilizing variant allele frequency, disease prevalence and penetrance estimates, and inheritance mode, an automated score was calculated to assess if this variant is too frequent to cause the disease. Based on the score and internal cut-off values, a variant classified as likely benign is not then subjected to further curation. The score for this variant resulted in a classification of likely benign for this disease.